The following is an entry in ClinVar:

ClinVar aggregate classification (germline): Uncertain significance (1 of 4 stars; one submission).

Conditions:
McCune-Albright syndrome (MAS). Also called: McCune-Albright syndrome, somatic, mosaic; Fibrous Dysplasia / McCune-Albright Syndrome; ALBRIGHT SYNDROME; Albright's Syndrome; Albright's disease. Identifiers: Orphanet 562, MedGen C0242292, MONDO:0018919, OMIM 174800.

gnomAD v4.1: 3 of 1,543,960 alleles (0.00019%); highest among the groups gnomAD compares: Non-Finnish European, 0.00026%; no homozygotes.

Submission:

Victorian Clinical Genetics Services, Murdoch Childrens Research Institute
Classification: Uncertain significance for McCune-Albright syndrome. Last evaluated: 2019-08-28. Review status: criteria provided, single submitter. Criteria: ACMG Guidelines, 2015. Collection method: clinical testing. Allele origin: germline. Inheritance: Autosomal dominant inheritance. Affected: yes.
Comment: A heterozygous missense variant, NM_001077490.2(GNAS):c.1141C>T, has been identified in exon exon 1 of 13 of the GNAS gene. The variant is predicted to result in a moderate amino acid change from proline to serine at position 381 of the protein (NP_001070958.1(GNAS):p.(Pro381Ser)). The proline residue at this position has low conservation (100 vertebrates, UCSC), and is not located within a well established functional domain. In silico predictions for this variant are consistently benign (Polyphen, SIFT, CADD, Mutation Taster). The variant is absent in the gnomAD population database. This variant has not been previously reported in clinical cases. Based on the information available at the time of curation, this variant has been classified as VARIANT of UNCERTAIN SIGNIFICANCE (VUS) with LOW CLINICAL RELEVANCE.

NM_080425.4(GNAS):c.1328C>T (p.Ser443Phe)

Gene: GNAS (GNAS complex locus; plus strand). Cytogenetic location: 20q13.32.
Variant type: single nucleotide variant.
Coding change: c.1328C>T on transcript NM_080425.4 (MANE Plus Clinical); coding-DNA position 1328, C replaced by T.
Protein change: p.Ser443Phe; replaces serine 443 with phenylalanine.
Molecular consequence: missense variant. On other transcripts: intron variant (3).
Genome position (GRCh38, 1-based): chr20:58,854,593, C>T. VCF-style: chr20-58854593-C-T. GRCh37 (hg19) VCF-style: chr20-57429648-C-T.
Other names: c.1141C>T, p.Pro381Ser (NM_001077490.3, NM_001309883.1); c.1328C>T, p.Ser443Phe (NM_001410913.1); c.*42+13707C>T (NM_016592.5); c.43+13707C>T (NM_001410912.1); c.-39+12718C>T (NM_001309861.2); short protein forms P381S, S443F.
Identifiers: ClinVar variation 3377438 (VCV003377438.1).
Genomic context (GRCh38, chr20:58,854,593, plus strand): 5'-GGGCATTCGCAGCCGATCCCGACTCCGGGGCAGCCCCTGCCGCCCCAGCCGATCCCGACT[C>T]CGGGGCGGCCCCTGACGCCCCAGCCGATCCCGACTCCGGGGCGGCCCCTGACGCCCCAGC-3'
Protein context (NP_536350.2, residues 433-453): AAPAAPADPD[Ser443Phe]GAAPDAPADP